The following is an entry in ClinVar:

NM_001673.5(ASNS):c.484A>G (p.Lys162Glu)

Genes: ASNS (asparagine synthetase (glutamine-hydrolyzing); minus strand), CZ1P-ASNS (CZ1P-ASNS readthrough; minus strand). Cytogenetic location: 7q21.3.
Variant type: single nucleotide variant.
Coding change: c.484A>G on transcript NM_001673.5 (MANE Select); coding-DNA position 484, A replaced by G.
Protein change: p.Lys162Glu; replaces lysine 162 with glutamic acid.
Molecular consequence: missense variant. On other transcripts: non-coding transcript variant (1).
Genome position (GRCh38, 1-based): chr7:97,864,262, T>C on the plus strand (A>G on the coding strand, the complement: ASNS is on the minus strand). VCF-style: chr7-97864262-T-C. GRCh37 (hg19) VCF-style: chr7-97493574-T-C.
Other names: NM_001352496.2:c.484A>G; c.421A>G, p.Lys141Glu (NM_001178075.2); c.235A>G, p.Lys79Glu (NM_001178076.2, NM_001178077.1); c.484A>G, p.Lys162Glu (NM_001352496.2, NM_133436.3, NM_183356.4); short protein forms K141E, K162E, K79E.
Identifiers: ClinVar variation 1679838 (VCV001679838.1), dbSNP rs2115707912, ClinGen allele CA368271079.

ClinVar aggregate classification (germline): Uncertain significance (1 of 4 stars; one submission).

Conditions:
Congenital microcephaly - severe encephalopathy - progressive cerebral atrophy syndrome. Also called: ASNS DEFICIENCY; Asparagine synthetase deficiency. Identifiers: Orphanet 391376, MedGen C3809971, MONDO:0014258, OMIM 615574.

Submission:

Broad Center for Mendelian Genomics, Broad Institute of MIT and Harvard
Classification: Uncertain significance for Congenital microcephaly - severe encephalopathy - progressive cerebral atrophy syndrome. Last evaluated: 2022-05-04. Review status: criteria provided, single submitter. Criteria: ACMG Guidelines, 2015. Collection method: curation. Allele origin: germline.
Comment: The variant has not been previously reported in individuals with asparagine synthetase deficiency and was absent from large population studies. Computational prediction tools and conservation analyses do not provide strong support for or against an impact to the protein. The presence of this variant in 1 affected homozygote increases the likelihood that the p.Lys162Glu variant is pathogenic. In summary, while there is some suspicion for a pathogenic role, the clinical significance of this variant is uncertain. ACMG/AMP Criteria applied: PM2, PM3_supporting (Richards 2015).